The following is an entry in ClinVar:

NM_004714.3(DYRK1B):c.1474G>A (p.Gly492Ser)

Gene: DYRK1B (dual specificity tyrosine phosphorylation regulated kinase 1B; minus strand). Cytogenetic location: 19q13.2.
Variant type: single nucleotide variant.
Coding change: c.1474G>A on transcript NM_004714.3 (MANE Select); coding-DNA position 1474, G replaced by A.
Protein change: p.Gly492Ser; replaces glycine 492 with serine.
Molecular consequence: missense variant.
Genome position (GRCh38, 1-based): chr19:39,826,224, C>T on the plus strand (G>A on the coding strand, the complement: DYRK1B is on the minus strand). VCF-style: chr19-39826224-C-T. GRCh37 (hg19) VCF-style: chr19-40316864-C-T.
Other names: c.1354G>A, p.Gly452Ser (NM_006483.3); c.1390G>A, p.Gly464Ser (NM_006484.3); c.1474G>A (NM_004714.2); short protein forms G452S, G464S, G492S.
Identifiers: ClinVar variation 2615956 (VCV002615956.3), dbSNP rs374361360, ClinGen allele CA9434019.
Genomic context (GRCh38, chr19:39,826,224, plus strand): 5'-CCCAAAGCCCCATTACCTGGGGGCTGTTCATCTCACAGTCTGTGATAGGGGGCCCAGGGC[C>T]CCCACAATATCGGTTGCTGTAGCGGTAGGTCCGGTTGTCACTGGAGGAGCCACTGGAGCC-3'
Protein context (NP_004705.1, residues 482-502): TYRYSNRYCG[Gly492Ser]PGPPITDCEM

ClinVar aggregate classification (germline): Uncertain significance. Review status: criteria provided, multiple submitters, no conflicts (2 of 4 stars). 2 submissions from 2 submitters: Uncertain significance (2). Last evaluated 2025-11-06.

Conditions:
Inborn genetic diseases. Identifiers: MedGen C0950123, MeSH D030342.
DYRK1B-related disorder. Also called: DYRK1B-related condition.

Allele frequency attached by ClinVar (database versions not stated): gnomAD 0.00003; ESP Exome Variant Server 0.00008; 1000 Genomes Project 0.00020; 1000 Genomes Project 30x 0.00031.

Submissions (2):

PreventionGenetics, part of Exact Sciences
Classification: Uncertain significance for DYRK1B-related condition. Last evaluated: 2025-11-06. Review status: criteria provided, single submitter. Criteria: ACMG Guidelines, 2015. Collection method: clinical testing. Allele origin: germline.
Comment: The DYRK1B c.1474G>A variant is predicted to result in the amino acid substitution p.Gly492Ser. To our knowledge, this variant has not been reported in the literature. This variant is reported in 0.023% of alleles in individuals of Ashkenazi Jewish descent in gnomAD. Although we suspect that this variant may be benign, at this time, the clinical significance of this variant is uncertain due to the absence of conclusive functional and genetic evidence.

Ambry Genetics
Classification: Uncertain significance for Inborn genetic diseases. Last evaluated: 2023-08-04. Review status: criteria provided, single submitter. Criteria: Ambry Variant Classification Scheme 2023. Collection method: clinical testing. Allele origin: germline.